The following is an entry in ClinVar:

ClinVar aggregate classification (germline): Uncertain significance. Review status: criteria provided, multiple submitters, no conflicts (2 of 4 stars). 2 submissions from 2 submitters: Uncertain significance (2). Last evaluated 2025-12-13.

Conditions:
Hereditary cancer-predisposing syndrome. Also called: Hereditary neoplastic syndrome; Neoplastic Syndromes, Hereditary; Tumor predisposition; Hereditary Cancer Syndrome. Identifiers: Orphanet 140162, MedGen C0027672, MeSH D009386, MONDO:0015356.
EGFR-related lung cancer (EGFR). Identifiers: MedGen CN130014.

Allele frequency attached by ClinVar (database versions not stated): TOPMed 0.00001.

Submissions (2):

Labcorp Genetics (formerly Invitae), Labcorp
Classification: Uncertain significance for EGFR-related lung cancer. Last evaluated: 2025-12-13. Review status: criteria provided, single submitter. Criteria: Invitae Variant Classification Sherloc (09022015). Collection method: clinical testing. Allele origin: germline.
Comment: This sequence change replaces methionine, which is neutral and non-polar, with isoleucine, which is neutral and non-polar, at codon 137 of the EGFR protein (p.Met137Ile). This variant is not present in population databases (gnomAD no frequency). This variant has not been reported in the literature in individuals affected with EGFR-related conditions. ClinVar contains an entry for this variant (Variation ID: 1511899). Invitae Evidence Modeling of protein sequence and biophysical properties (such as structural, functional, and spatial information, amino acid conservation, physicochemical variation, residue mobility, and thermodynamic stability) indicates that this missense variant is not expected to disrupt EGFR protein function with a negative predictive value of 80%. In summary, the available evidence is currently insufficient to determine the role of this variant in disease. Therefore, it has been classified as a Variant of Uncertain Significance.

Ambry Genetics
Classification: Uncertain significance for Hereditary cancer-predisposing syndrome. Last evaluated: 2025-07-03. Review status: criteria provided, single submitter. Criteria: Ambry Variant Classification Scheme 2023. Collection method: clinical testing. Allele origin: germline.
Comment: The p.M137I variant (also known as c.411G>A), located in coding exon 3 of the EGFR gene, results from a G to A substitution at nucleotide position 411. The methionine at codon 137 is replaced by isoleucine, an amino acid with highly similar properties. This amino acid position is not well conserved in available vertebrate species. In addition, this alteration is predicted to be tolerated by in silico analysis. Based on the available evidence, the clinical significance of this variant remains unclear.

NM_005228.5(EGFR):c.411G>A (p.Met137Ile)

Gene: EGFR (epidermal growth factor receptor; plus strand). Cytogenetic location: 7p11.2.
Variant type: single nucleotide variant.
Coding change: c.411G>A on transcript NM_005228.5 (MANE Select); coding-DNA position 411, G replaced by A.
Protein change: p.Met137Ile; replaces methionine 137 with isoleucine.
Molecular consequence: missense variant. On other transcripts: intron variant (1).
Genome position (GRCh38, 1-based): chr7:55,143,475, G>A. VCF-style: chr7-55143475-G-A. GRCh37 (hg19) VCF-style: chr7-55211168-G-A.
Other names: c.411G>A (NM_005228.3); c.411G>A, p.Met137Ile (NM_001346897.2, NM_001346898.2, NM_001346899.2 and 3 more transcripts); c.252G>A, p.Met84Ile (NM_001346900.2); c.89-12355G>A (NM_001346941.2); short protein forms M137I, M84I.
Identifiers: ClinVar variation 1511899 (VCV001511899.9), dbSNP rs1794583894, ClinGen allele CA367575993.